The following is an entry in ClinVar:

NM_003803.4(MYOM1):c.1148C>T (p.Ala383Val)

Gene: MYOM1 (myomesin 1; minus strand). Cytogenetic location: 18p11.31.
Variant type: single nucleotide variant.
Coding change: c.1148C>T on transcript NM_003803.4 (MANE Select); coding-DNA position 1148, C replaced by T.
Protein change: p.Ala383Val; replaces alanine 383 with valine.
Molecular consequence: missense variant.
Genome position (GRCh38, 1-based): chr18:3,173,964, G>A on the plus strand (C>T on the coding strand, the complement: MYOM1 is on the minus strand). VCF-style: chr18-3173964-G-A. GRCh37 (hg19) VCF-style: chr18-3173962-G-A.
Other names: c.1148C>T, p.Ala383Val (NM_019856.2); short protein forms A383V.
Identifiers: ClinVar variation 2414950 (VCV002414950.7), dbSNP rs1309343550, ClinGen allele CA401715524.

ClinVar aggregate classification (germline): Uncertain significance. Review status: criteria provided, multiple submitters, no conflicts (2 of 4 stars). 2 submissions from 2 submitters: Uncertain significance (2). Last evaluated 2025-07-22.

Conditions:
Hypertrophic cardiomyopathy. Also called: HYPERTROPHIC MYOCARDIOPATHY. Identifiers: Orphanet 217569, MedGen C0007194, MeSH D002312, MONDO:0005045, HP:0001639.

Allele frequency attached by ClinVar (database versions not stated): gnomAD 0.00001; gnomAD exomes 0.00001; TOPMed 0.00001.
gnomAD v4.1: 17 of 1,613,330 alleles (0.0011%); highest among the groups gnomAD compares: Non-Finnish European, 0.0014%; no homozygotes.

Submissions (2):

Ambry Genetics
Classification: Uncertain significance. Last evaluated: 2025-07-22. Review status: criteria provided, single submitter. Criteria: Ambry Variant Classification Scheme 2023. Collection method: clinical testing. Allele origin: germline.
Comment: The p.A383V variant (also known as c.1148C>T), located in coding exon 7 of the MYOM1 gene, results from a C to T substitution at nucleotide position 1148. The alanine at codon 383 is replaced by valine, an amino acid with similar properties. This amino acid position is conserved. In addition, this alteration is predicted to be tolerated by in silico analysis. Based on the available evidence, the clinical significance of this variant remains unclear.

Labcorp Genetics (formerly Invitae), Labcorp
Classification: Uncertain significance for Hypertrophic cardiomyopathy. Last evaluated: 2025-06-20. Review status: criteria provided, single submitter. Criteria: Invitae Variant Classification Sherloc (09022015). Collection method: clinical testing. Allele origin: germline.
Comment: This sequence change replaces alanine, which is neutral and non-polar, with valine, which is neutral and non-polar, at codon 383 of the MYOM1 protein (p.Ala383Val). This variant is not present in population databases (gnomAD no frequency). This variant has not been reported in the literature in individuals affected with MYOM1-related conditions. ClinVar contains an entry for this variant (Variation ID: 2414950). Invitae Evidence Modeling of protein sequence and biophysical properties (such as structural, functional, and spatial information, amino acid conservation, physicochemical variation, residue mobility, and thermodynamic stability) indicates that this missense variant is not expected to disrupt MYOM1 protein function with a negative predictive value of 80%. In summary, the available evidence is currently insufficient to determine the role of this variant in disease. Therefore, it has been classified as a Variant of Uncertain Significance.